The following is an entry in ClinVar:

NM_000152.5(GAA):c.-104C>T

Gene: GAA (alpha glucosidase; plus strand). Cytogenetic location: 17q25.3.
Variant type: single nucleotide variant.
Coding change: c.-104C>T on transcript NM_000152.5 (MANE Select); 104 bases upstream of the start codon, C replaced by T.
Molecular consequence: 5 prime UTR variant. On other transcripts: non-coding transcript variant (1), intron variant (1).
Genome position (GRCh38, 1-based): chr17:80,101,819, C>T. VCF-style: chr17-80101819-C-T. GRCh37 (hg19) VCF-style: chr17-78075618-C-T.
Other names: c.-104C>T (LRG_673t1, NM_001079803.3); c.-33+194C>T (NM_001079804.3).
Identifiers: ClinVar variation 506864 (VCV000506864.1), dbSNP rs960427191, ClinGen allele CA294884559.

ClinVar aggregate classification (germline): Likely benign (1 of 4 stars; one submission).

Allele frequency attached by ClinVar (database versions not stated): gnomAD 0.00001 and 0.00002; TOPMed 0.00004.

Submission:

GeneDx
Classification: Likely benign. Last evaluated: 2017-01-26. Review status: criteria provided, single submitter. Criteria: GeneDx Variant Classification (06012015). Collection method: clinical testing. Allele origin: germline. Affected: yes.
Comment: This variant is considered likely benign or benign based on one or more of the following criteria: it is a conservative change, it occurs at a poorly conserved position in the protein, it is predicted to be benign by multiple in silico algorithms, and/or has population frequency not consistent with disease.